The following is an entry in ClinVar:

ClinVar aggregate classification (germline): Uncertain significance. Review status: criteria provided, multiple submitters, no conflicts (2 of 4 stars). 2 submissions from 2 submitters: Uncertain significance (2). Last evaluated 2025-12-12.

Conditions:
Treacher Collins syndrome 1 (TCS1). Also called: TCOF1-Related Treacher Collins Syndrome. Identifiers: Orphanet 861, MedGen CN315775, MONDO:0007944, OMIM 154500.

gnomAD v4.1: 10 of 1,613,984 alleles (0.00062%); highest among the groups gnomAD compares: Admixed American, 0.0017%; no homozygotes.

Submissions (2):

Labcorp Genetics (formerly Invitae), Labcorp
Classification: Uncertain significance for Treacher Collins syndrome 1. Last evaluated: 2025-12-12. Review status: criteria provided, single submitter. Criteria: Invitae Variant Classification Sherloc (09022015). Collection method: clinical testing. Allele origin: germline.
Comment: This sequence change falls in intron 12 of the TCOF1 gene. It does not directly change the encoded amino acid sequence of the TCOF1 protein. This variant is present in population databases (rs753406683, gnomAD 0.003%). This variant has not been reported in the literature in individuals affected with TCOF1-related conditions. ClinVar contains an entry for this variant (Variation ID: 1710637). Algorithms developed to predict the effect of sequence changes on RNA splicing suggest that this variant may disrupt the consensus splice site. In summary, the available evidence is currently insufficient to determine the role of this variant in disease. Therefore, it has been classified as a Variant of Uncertain Significance.

GeneDx
Classification: Uncertain significance. Last evaluated: 2022-04-15. Review status: criteria provided, single submitter. Criteria: GeneDx Variant Classification Process June 2021. Collection method: clinical testing. Allele origin: germline. Affected: yes.
Comment: Has not been previously published as pathogenic or benign to our knowledge; In silico analysis, which includes splice predictors and evolutionary conservation, suggests this variant may impact gene splicing. In the absence of RNA/functional studies, the actual effect of this sequence change is unknown.

NM_001371623.1(TCOF1):c.1894-6C>G

Gene: TCOF1 (treacle ribosome biogenesis factor 1; plus strand). Cytogenetic location: 5q32.
Variant type: single nucleotide variant.
Coding change: c.1894-6C>G on transcript NM_001371623.1 (MANE Select); 6 bases into the intron before coding-DNA position 1894, C replaced by G.
Molecular consequence: intron variant.
Genome position (GRCh38, 1-based): chr5:150,376,076, C>G. VCF-style: chr5-150376076-C-G. GRCh37 (hg19) VCF-style: chr5-149755639-C-G.
Other names: c.1894-6C>G (NM_001135243.2, NM_001135244.2, NM_001195141.2 and 1 more transcripts); c.1663-6C>G (NM_001135245.2, NM_000356.4).
Identifiers: ClinVar variation 1710637 (VCV001710637.3), dbSNP rs753406683, ClinGen allele CA129136273.